The following is an entry in ClinVar:

ClinVar aggregate classification (germline): Likely benign (0 of 4 stars; one submission).

Conditions:
PRKAA2-related disorder. Also called: PRKAA2-related condition.

Allele frequency attached by ClinVar (database versions not stated): TOPMed 0.00005; gnomAD exomes 0.00030; ExAC 0.00067; 1000 Genomes Project 30x 0.00125; 1000 Genomes Project 0.00160.
gnomAD v4.1: 477 of 1,613,670 alleles (0.03%); highest among the groups gnomAD compares: South Asian, 0.47%; 6 homozygotes.

Submission:

PreventionGenetics, part of Exact Sciences
Classification: Likely benign for PRKAA2-related condition. Last evaluated: 2019-05-28. Review status: no assertion criteria provided. Collection method: clinical testing. Allele origin: germline.
Comment: This variant is classified as likely benign based on ACMG/AMP sequence variant interpretation guidelines (Richards et al. 2015 PMID: 25741868, with internal and published modifications).

NM_006252.4(PRKAA2):c.749A>G (p.Gln250Arg)

Gene: PRKAA2 (protein kinase AMP-activated catalytic subunit alpha 2; plus strand). Cytogenetic location: 1p32.2.
Variant type: single nucleotide variant.
Coding change: c.749A>G on transcript NM_006252.4 (MANE Select); coding-DNA position 749, A replaced by G.
Protein change: p.Gln250Arg; replaces glutamine 250 with arginine.
Molecular consequence: missense variant.
Genome position (GRCh38, 1-based): chr1:56,696,120, A>G. VCF-style: chr1-56696120-A-G. GRCh37 (hg19) VCF-style: chr1-57161793-A-G.
Other names: short protein forms Q250R.
Identifiers: ClinVar variation 3039233 (VCV003039233.2), dbSNP rs534372739, ClinGen allele CA873816.